The following is an entry in ClinVar:

NM_000843.4(GRM6):c.1060A>G (p.Asn354Asp)

Genes: GRM6 (glutamate metabotropic receptor 6; minus strand), ZNF454 (zinc finger protein 454; plus strand). Cytogenetic location: 5q35.3.
Variant type: single nucleotide variant.
Coding change: c.1060A>G on transcript NM_000843.4 (MANE Select); coding-DNA position 1060, A replaced by G.
Protein change: p.Asn354Asp; replaces asparagine 354 with aspartic acid.
Molecular consequence: missense variant.
Genome position (GRCh38, 1-based): chr5:178,989,358, T>C on the plus strand (A>G on the coding strand, the complement: GRM6 is on the minus strand). VCF-style: chr5-178989358-T-C. GRCh37 (hg19) VCF-style: chr5-178416359-T-C.
Other names: short protein forms N354D.
Identifiers: ClinVar variation 1010804 (VCV001010804.10), dbSNP rs1760631678, ClinGen allele CA362430577.

ClinVar aggregate classification (germline): Uncertain significance (1 of 4 stars; one submission).

Submission:

Labcorp Genetics (formerly Invitae), Labcorp
Classification: Uncertain significance. Last evaluated: 2022-08-09. Review status: criteria provided, single submitter. Criteria: Invitae Variant Classification Sherloc (09022015). Collection method: clinical testing. Allele origin: germline.
Comment: Advanced modeling of protein sequence and biophysical properties (such as structural, functional, and spatial information, amino acid conservation, physicochemical variation, residue mobility, and thermodynamic stability) performed at Invitae indicates that this missense variant is expected to disrupt GRM6 protein function. In summary, the available evidence is currently insufficient to determine the role of this variant in disease. Therefore, it has been classified as a Variant of Uncertain Significance. ClinVar contains an entry for this variant (Variation ID: 1010804). This variant has not been reported in the literature in individuals affected with GRM6-related conditions. This variant is not present in population databases (gnomAD no frequency). This sequence change replaces asparagine, which is neutral and polar, with aspartic acid, which is acidic and polar, at codon 354 of the GRM6 protein (p.Asn354Asp).